The following is an entry in ClinVar:

NM_000138.5(FBN1):c.165-8_165-6delinsGG

Gene: FBN1 (fibrillin 1; minus strand). Cytogenetic location: 15q21.1.
Variant type: Indel.
Coding change: c.165-8_165-6delinsGG on transcript NM_000138.5 (MANE Select); 8 bases into the intron before coding-DNA position 165 through 6 bases into the intron before coding-DNA position 165, TGT replaced by GG.
Molecular consequence: intron variant.
Genome position (GRCh38, 1-based): chr15:48,613,098-48,613,100, ACA replaced by CC on the plus strand (TGT replaced by GG on the coding strand, the reverse complement: FBN1 is on the minus strand). VCF-style: chr15-48613098-ACA-CC. GRCh37 (hg19) VCF-style: chr15-48905295-ACA-CC.
Identifiers: ClinVar variation 919446 (VCV000919446.5), dbSNP rs2044669818, ClinGen allele CA913188660.

ClinVar aggregate classification (germline): Uncertain significance. Review status: criteria provided, multiple submitters, no conflicts (2 of 4 stars). 2 submissions from 2 submitters: Uncertain significance (2). Last evaluated 2025-05-26.

Conditions:
Familial thoracic aortic aneurysm and aortic dissection (TAAD). Also called: Thoracic aortic aneurysms and dissections. Identifiers: Orphanet 91387, MedGen C4707243, MONDO:0019625.

Submissions (2):

Color Diagnostics, LLC DBA Color Health
Classification: Uncertain significance for Familial thoracic aortic aneurysm and aortic dissection. Last evaluated: 2025-05-26. Review status: criteria provided, single submitter. Criteria: ACMG Guidelines, 2015. Collection method: clinical testing. Allele origin: germline.
Comment: This variant deletes two nucleotides and inserts one nucleotide in intron 2 of the FBN1 gene. Splice site prediction tools are inconclusive regarding the impact of this variant on RNA splicing. To our knowledge, RNA studies have not been reported for this variant. This variant has not been reported in individuals affected with FBN1-related disorders in the literature. This variant has not been identified in the general population by the Genome Aggregation Database (gnomAD). The available evidence is insufficient to determine the role of this variant in disease conclusively. Therefore, this variant is classified as a Variant of Uncertain Significance.

GeneDx
Classification: Uncertain significance. Last evaluated: 2020-02-19. Review status: criteria provided, single submitter. Criteria: GeneDx Variant Classification (06012015). Collection method: clinical testing. Allele origin: germline. Affected: yes.
Comment: Has not been previously published as pathogenic or benign to our knowledge Not observed in large population cohorts (Lek et al., 2016) In-silico analysis, which includes splice predictors and evolutionary conservation, is inconclusive as to whether the variant alters gene splicing; in the absence of RNA/functional studies, the actual effect of this sequence change is unknown